The following is an entry in ClinVar:

ClinVar aggregate classification (germline): Likely benign. Review status: criteria provided, multiple submitters, no conflicts (2 of 4 stars). 2 submissions from 2 submitters: Likely benign (2). Last evaluated 2025-12-01.

Conditions:
Inborn genetic diseases. Identifiers: MedGen C0950123, MeSH D030342.

Allele frequency attached by ClinVar (database versions not stated): gnomAD 0.00022; TOPMed 0.00022.
gnomAD v4.1: 485 of 1,428,834 alleles (0.034%); highest among the groups gnomAD compares: Non-Finnish European, 0.041%; 1 homozygote.

Submissions (2):

CeGaT Center for Human Genetics Tuebingen
Classification: Likely benign. Last evaluated: 2025-12-01. Review status: criteria provided, single submitter. Criteria: CeGaT Center For Human Genetics Tuebingen Variant Classification Criteria Version 2. Collection method: clinical testing. Allele origin: germline. Affected: yes. Observed: 1 variant allele.
Comment: MRPS34: BS2

Ambry Genetics
Classification: Likely benign for Inborn genetic diseases. Last evaluated: 2023-02-23. Review status: criteria provided, single submitter. Criteria: Ambry Variant Classification Scheme 2023. Collection method: clinical testing. Allele origin: germline.

NM_023936.2(MRPS34):c.74T>G (p.Leu25Arg)

Genes: EME2 (essential meiotic structure-specific endonuclease subunit 2; plus strand), MRPS34 (mitochondrial ribosomal protein S34; minus strand). Cytogenetic location: 16p13.3.
Variant type: single nucleotide variant.
Coding change: c.74T>G on transcript NM_023936.2 (MANE Select); coding-DNA position 74, T replaced by G.
Protein change: p.Leu25Arg; replaces leucine 25 with arginine.
Molecular consequence: missense variant. On other transcripts: 5 prime UTR variant (1).
Genome position (GRCh38, 1-based): chr16:1,773,046, A>C on the plus strand (T>G on the coding strand, the complement: MRPS34 is on the minus strand). VCF-style: chr16-1773046-A-C. GRCh37 (hg19) VCF-style: chr16-1823047-A-C.
Other names: c.-182A>C (NM_001257370.2); c.74T>G, p.Leu25Arg (NM_001300900.2); short protein forms L25R.
Identifiers: ClinVar variation 2461711 (VCV002461711.7), dbSNP rs762655490, ClinGen allele CA7818440.